The following is an entry in ClinVar:

ClinVar aggregate classification (germline): Benign/Likely benign. Review status: criteria provided, multiple submitters, no conflicts (2 of 4 stars). 2 submissions from 2 submitters: Benign (1); Likely benign (1). Last evaluated 2025-06-04.

Conditions:
MARS1-related disorder. Also called: MARS1-related condition.
Severe early-onset pulmonary alveolar proteinosis due to MARS deficiency. Also called: PULMONARY ALVEOLAR PROTEINOSIS, REUNION ISLAND; Interstitial lung and liver disease. Identifiers: Orphanet 440427, MedGen C4225400, MONDO:0014206, OMIM 615486.
Charcot-Marie-Tooth disease axonal type 2U. Also called: CHARCOT-MARIE-TOOTH NEUROPATHY, TYPE 2U; CHARCOT-MARIE-TOOTH DISEASE, AXONAL, AUTOSOMAL DOMINANT, TYPE 2U. Identifiers: Orphanet 397735, MedGen C4084821, MONDO:0014566, OMIM 616280.

Allele frequency attached by ClinVar (database versions not stated): TOPMed 0.00004; gnomAD exomes 0.00005; gnomAD 0.00006; ESP Exome Variant Server 0.00008.
gnomAD v4.1: 76 of 1,614,022 alleles (0.0047%); highest among the groups gnomAD compares: South Asian, 0.053%; 2 homozygotes.

Submissions (2):

PreventionGenetics, part of Exact Sciences
Classification: Likely benign for MARS1-related condition. Last evaluated: 2025-06-04. Review status: criteria provided, single submitter. Criteria: ACMG Guidelines, 2015. Collection method: clinical testing. Allele origin: germline.
Comment: This variant is classified as likely benign based on ACMG/AMP sequence variant interpretation guidelines (Richards et al. 2015 PMID: 25741868, with internal and published modifications).

Labcorp Genetics (formerly Invitae), Labcorp
Classification: Benign for Charcot-Marie-Tooth disease axonal type 2U; Severe early-onset pulmonary alveolar proteinosis due to MARS deficiency. Last evaluated: 2023-03-15. Review status: criteria provided, single submitter. Criteria: Invitae Variant Classification Sherloc (09022015). Collection method: clinical testing. Allele origin: germline.

NM_004990.4(MARS1):c.2478G>A (p.Pro826=)

Gene: MARS1 (methionyl-tRNA synthetase 1; plus strand). Cytogenetic location: 12q13.3.
Variant type: single nucleotide variant.
Coding change: c.2478G>A on transcript NM_004990.4 (MANE Select); coding-DNA position 2478, G replaced by A.
Protein change: p.Pro826=; no amino-acid change (proline 826 retained).
Molecular consequence: synonymous variant.
Genome position (GRCh38, 1-based): chr12:57,516,259, G>A. VCF-style: chr12-57516259-G-A. GRCh37 (hg19) VCF-style: chr12-57910042-G-A.
Identifiers: ClinVar variation 763647 (VCV000763647.11), dbSNP rs149241208, ClinGen allele CA6650863.